The following is an entry in ClinVar:

NM_005257.6(GATA6):c.112C>A (p.Pro38Thr)

Gene: GATA6 (GATA binding protein 6; plus strand). Cytogenetic location: 18q11.2.
Variant type: single nucleotide variant.
Coding change: c.112C>A on transcript NM_005257.6 (MANE Select); coding-DNA position 112, C replaced by A.
Protein change: p.Pro38Thr; replaces proline 38 with threonine.
Molecular consequence: missense variant.
Genome position (GRCh38, 1-based): chr18:22,171,256, C>A. VCF-style: chr18-22171256-C-A. GRCh37 (hg19) VCF-style: chr18-19751217-C-A.
Other names: short protein forms P38T.
Identifiers: ClinVar variation 854806 (VCV000854806.12), dbSNP rs769310811, ClinGen allele CA8908813.

ClinVar aggregate classification (germline): Uncertain significance. Review status: criteria provided, multiple submitters, no conflicts (2 of 4 stars). 3 submissions from 3 submitters: Uncertain significance (3). Last evaluated 2025-11-13.

Conditions:
Atrioventricular septal defect 5 (AVSD5). Identifiers: MedGen C3280939, MONDO:0013769, OMIM 614474.
GATA6-related disorder. Also called: GATA6-related condition.

Allele frequency attached by ClinVar (database versions not stated): TOPMed 0.00005; gnomAD exomes below 0.00001; ExAC below 0.00001; gnomAD 0.00001.

Submissions (3):

Dasa
Classification: Uncertain significance. Last evaluated: 2025-11-13. Review status: criteria provided, single submitter. Criteria: DASA Assertion Criteria. Collection method: clinical testing. Allele origin: germline.
Comment: NM_005257.6(GATA6):c.112C>A (p.Pro38Thr) is a missense variant that results in the substitution of proline with threonine. This variant is rare in population databases. The currently available literature and clinical evidence are not sufficient to establish a definitive association between this variant and the reported condition. Therefore, this variant is classified as a variant of uncertain significance.

Labcorp Genetics (formerly Invitae), Labcorp
Classification: Uncertain significance for Atrioventricular septal defect 5. Last evaluated: 2025-05-05. Review status: criteria provided, single submitter. Criteria: Invitae Variant Classification Sherloc (09022015). Collection method: clinical testing. Allele origin: germline.
Comment: This sequence change replaces proline, which is neutral and non-polar, with threonine, which is neutral and polar, at codon 38 of the GATA6 protein (p.Pro38Thr). The frequency data for this variant in the population databases is considered unreliable, as metrics indicate poor data quality at this position in the gnomAD database. This variant has not been reported in the literature in individuals affected with GATA6-related conditions. ClinVar contains an entry for this variant (Variation ID: 854806). An algorithm developed to predict the effect of missense changes on protein structure and function (PolyPhen-2) suggests that this variant is likely to be tolerated. In summary, the available evidence is currently insufficient to determine the role of this variant in disease. Therefore, it has been classified as a Variant of Uncertain Significance.

PreventionGenetics, part of Exact Sciences
Classification: Uncertain significance for GATA6-related condition. Last evaluated: 2023-08-15. Review status: criteria provided, single submitter. Criteria: ACMG Guidelines, 2015. Collection method: clinical testing. Allele origin: germline.
Comment: The GATA6 c.112C>A variant is predicted to result in the amino acid substitution p.Pro38Thr. To our knowledge, this variant has not been reported in the literature. This variant is reported in 0.0029% of alleles in individuals of Latino descent in gnomAD. At this time, the clinical significance of this variant is uncertain due to the absence of conclusive functional and genetic evidence.